The following is an entry in ClinVar:

NM_000530.8(MPZ):c.714G>C (p.Lys238Asn)

Gene: MPZ (myelin protein zero; minus strand). Cytogenetic location: 1q23.3.
Variant type: single nucleotide variant.
Coding change: c.714G>C on transcript NM_000530.8 (MANE Select); coding-DNA position 714, G replaced by C.
Protein change: p.Lys238Asn; replaces lysine 238 with asparagine.
Molecular consequence: missense variant.
Genome position (GRCh38, 1-based): chr1:161,305,909, C>G on the plus strand (G>C on the coding strand, the complement: MPZ is on the minus strand). VCF-style: chr1-161305909-C-G. GRCh37 (hg19) VCF-style: chr1-161275699-C-G.
Other names: c.714G>C, p.Lys238Asn (NM_001315491.2); short protein forms K238N.
Identifiers: ClinVar variation 2890423 (VCV002890423.3), dbSNP rs1455200299, ClinGen allele CA343343974.

ClinVar aggregate classification (germline): Uncertain significance (1 of 4 stars; one submission).

Conditions:
Charcot-Marie-Tooth disease, type I (CMT1). Also called: Charcot-Marie-Tooth, Type 1; Charcot-Marie-Tooth disease type 1. Identifiers: Orphanet 65753, MedGen C0751036, MONDO:0019011.

Submission:

Labcorp Genetics (formerly Invitae), Labcorp
Classification: Uncertain significance for Charcot-Marie-Tooth disease, type I. Last evaluated: 2023-02-16. Review status: criteria provided, single submitter. Criteria: Invitae Variant Classification Sherloc (09022015). Collection method: clinical testing. Allele origin: germline.
Comment: This sequence change replaces lysine, which is basic and polar, with asparagine, which is neutral and polar, at codon 238 of the MPZ protein (p.Lys238Asn). In summary, the available evidence is currently insufficient to determine the role of this variant in disease. Therefore, it has been classified as a Variant of Uncertain Significance. An algorithm developed to predict the effect of missense changes on protein structure and function (PolyPhen-2) suggests that this variant is likely to be disruptive. This variant has not been reported in the literature in individuals affected with MPZ-related conditions. This variant is not present in population databases (gnomAD no frequency).